The following is an entry in ClinVar:

ClinVar aggregate classification (germline): Uncertain significance. Review status: criteria provided, multiple submitters, no conflicts (2 of 4 stars). 2 submissions from 2 submitters: Uncertain significance (2). Last evaluated 2026-01-11.

Allele frequency attached by ClinVar (database versions not stated): gnomAD exomes below 0.00001 and 0.00001; TOPMed 0.00001; ExAC 0.00002; ESP Exome Variant Server 0.00008.
gnomAD v4.1: 7 of 1,614,028 alleles (0.00043%); highest among the groups gnomAD compares: Admixed American, 0.0017%; no homozygotes.

Submissions (2):

Labcorp Genetics (formerly Invitae), Labcorp
Classification: Uncertain significance. Last evaluated: 2026-01-11. Review status: criteria provided, single submitter. Criteria: Invitae Variant Classification Sherloc (09022015). Collection method: clinical testing. Allele origin: germline.
Comment: This sequence change replaces glutamic acid, which is acidic and polar, with lysine, which is basic and polar, at codon 835 of the ARHGEF1 protein (p.Glu835Lys). This variant is present in population databases (rs369443387, gnomAD 0.003%). This variant has not been reported in the literature in individuals affected with ARHGEF1-related conditions. ClinVar contains an entry for this variant (Variation ID: 1001603). An algorithm developed to predict the effect of missense changes on protein structure and function (PolyPhen-2) suggests that this variant is likely to be disruptive. In summary, the available evidence is currently insufficient to determine the role of this variant in disease. Therefore, it has been classified as a Variant of Uncertain Significance.

Blueprint Genetics
Classification: Uncertain significance. Last evaluated: 2021-07-21. Review status: criteria provided, single submitter. Criteria: ACMG Guidelines, 2015. Collection method: clinical testing. Allele origin: germline.

NM_004706.4(ARHGEF1):c.2458G>A (p.Glu820Lys)

Gene: ARHGEF1 (Rho guanine nucleotide exchange factor 1; plus strand). Cytogenetic location: 19q13.2.
Variant type: single nucleotide variant.
Coding change: c.2458G>A on transcript NM_004706.4 (MANE Select); coding-DNA position 2458, G replaced by A.
Protein change: p.Glu820Lys; replaces glutamic acid 820 with lysine.
Molecular consequence: missense variant.
Genome position (GRCh38, 1-based): chr19:41,905,992, G>A. VCF-style: chr19-41905992-G-A. GRCh37 (hg19) VCF-style: chr19-42410144-G-A.
Other names: c.2359G>A, p.Glu787Lys (NM_198977.2); c.2503G>A, p.Glu835Lys (NM_199002.2); short protein forms E787K, E820K, E835K.
Identifiers: ClinVar variation 1001603 (VCV001001603.9), dbSNP rs369443387, ClinGen allele CA9466732.
Genomic context (GRCh38, chr19:41,905,992, plus strand): 5'-AATCCAGCCCGGACCGAGAGAATCCTCAGTGACCTCCTGCCCTTCTGCAGACCAGGCCCC[G>A]AGGGCCAGCTCGCTGCCACGGCCCTTCGGAAAGGTAGCCCAGCTCTGCCCCTCCAGGGTG-3'
Protein context (NP_004697.2, residues 810-830): DLLPFCRPGP[Glu820Lys]GQLAATALRK